The following is an entry in ClinVar:

NM_015898.4(ZBTB7A):c.27C>A (p.Ile9=)

Gene: ZBTB7A (zinc finger and BTB domain containing 7A; minus strand). Cytogenetic location: 19p13.3.
Variant type: single nucleotide variant.
Coding change: c.27C>A on transcript NM_015898.4 (MANE Select); coding-DNA position 27, C replaced by A.
Protein change: p.Ile9=; no amino-acid change (isoleucine 9 retained).
Molecular consequence: synonymous variant.
Genome position (GRCh38, 1-based): chr19:4,055,206, G>T on the plus strand (C>A on the coding strand, the complement: ZBTB7A is on the minus strand). VCF-style: chr19-4055206-G-T. GRCh37 (hg19) VCF-style: chr19-4055204-G-T.
Other names: c.27C>A, p.Ile9= (NM_001317990.2).
Identifiers: ClinVar variation 4823523 (VCV004823523.4).

ClinVar aggregate classification (germline): Likely benign (1 of 4 stars; one submission).

gnomAD v4.1: 3 of 1,557,672 alleles (0.00019%); highest among the groups gnomAD compares: Non-Finnish European, 0.00017%; no homozygotes.

Submission:

CeGaT Center for Human Genetics Tuebingen
Classification: Likely benign. Last evaluated: 2026-03-01. Review status: criteria provided, single submitter. Criteria: CeGaT Center For Human Genetics Tuebingen Variant Classification Criteria Version 2. Collection method: clinical testing. Allele origin: germline. Affected: yes. Observed: 1 variant allele.
Comment: ZBTB7A: BP4, BP7